The following is an entry in ClinVar:

ClinVar aggregate classification (germline): Uncertain significance (1 of 4 stars; one submission).

Conditions:
Bamforth-Lazarus syndrome. Identifiers: Orphanet 1226, MedGen C1855794, MONDO:0009437, OMIM 241850.

gnomAD v4.1: 4 of 1,195,032 alleles (0.00033%); highest among the groups gnomAD compares: Non-Finnish European, 0.00041%; no homozygotes.

Submission:

Victorian Clinical Genetics Services, Murdoch Childrens Research Institute
Classification: Uncertain significance for Bamforth-Lazarus syndrome. Last evaluated: 2022-02-02. Review status: criteria provided, single submitter. Criteria: ACMG Guidelines, 2015. Collection method: clinical testing. Allele origin: germline. Inheritance: Autosomal recessive inheritance.
Comment: Based on the classification scheme VCGS_Germline_v1.3.4, this variant is classified as VUS-3C. Following criteria are met: 0102 - Loss of function is a known mechanism of disease in this gene and is associated with Bamforth-Lazarus syndrome (MIM#241850). One single gain of function report documented a homozygous missense variant in individual with Bamforth-Lazarus syndrome enhanced the activity of TG and TPO promoter genes (PMID: 24219130). (I) 0108 - This gene is associated with both recessive and dominant disease (OMIM). (I) 0200 - Variant is predicted to result in a missense amino acid change from alanine to threonine. (I) 0251 - This variant is heterozygous. (I) 0301 - Variant is absent from gnomAD (both v2 and v3). (SP) 0503 - Missense variant with conflicting in silico predictions and poorly conserved with a minor amino acid change. (SB) 0604 - Variant is not located in an established domain, motif, hotspot or informative constraint region. (I) 0705 - No comparable missense variants have previous evidence for pathogenicity. (I) 0807 - This variant has no previous evidence of pathogenicity. (I) 0905 - No published segregation evidence has been identified for this variant. (I) 1007 - No published functional evidence has been identified for this variant. (I) 1208 - Inheritance information for this variant is not currently available in this individual. (I) Legend: (SP) - Supporting pathogenic, (I) - Information, (SB) - Supporting benign

Literature cited by the submitters: PubMed 24219130.

NM_004473.4(FOXE1):c.502G>A (p.Ala168Thr)

Gene: FOXE1 (forkhead box E1; plus strand). Cytogenetic location: 9q22.33.
Variant type: single nucleotide variant.
Coding change: c.502G>A on transcript NM_004473.4 (MANE Select); coding-DNA position 502, G replaced by A.
Protein change: p.Ala168Thr; replaces alanine 168 with threonine.
Molecular consequence: missense variant.
Genome position (GRCh38, 1-based): chr9:97,854,416, G>A. VCF-style: chr9-97854416-G-A. GRCh37 (hg19) VCF-style: chr9-100616698-G-A.
Other names: short protein forms A168T.
Identifiers: ClinVar variation 3376908 (VCV003376908.1).